The following is an entry in ClinVar:

ClinVar aggregate classification (germline): Uncertain significance. Review status: criteria provided, multiple submitters, no conflicts (2 of 4 stars). 2 submissions from 2 submitters: Uncertain significance (2). Last evaluated 2024-12-22.

Conditions:
Retinitis pigmentosa 59 (RP59). Identifiers: Orphanet 791, MedGen C3151227, MONDO:0013468, OMIM 613861.

Submissions (2):

GeneDx
Classification: Uncertain significance. Last evaluated: 2024-12-22. Review status: criteria provided, single submitter. Criteria: GeneDx Variant Classification Process June 2021. Collection method: clinical testing. Allele origin: germline. Affected: yes.
Comment: Not observed at significant frequency in large population cohorts (gnomAD); In silico analysis supports that this missense variant has a deleterious effect on protein structure/function; Has not been previously published as pathogenic or benign to our knowledge

Labcorp Genetics (formerly Invitae), Labcorp
Classification: Uncertain significance for Retinitis pigmentosa 59. Last evaluated: 2022-11-18. Review status: criteria provided, single submitter. Criteria: Invitae Variant Classification Sherloc (09022015). Collection method: clinical testing. Allele origin: germline.
Comment: This variant is not present in population databases (gnomAD no frequency). This sequence change replaces cysteine, which is neutral and slightly polar, with arginine, which is basic and polar, at codon 191 of the DHDDS protein (p.Cys191Arg). This variant has not been reported in the literature in individuals affected with DHDDS-related conditions. In summary, the available evidence is currently insufficient to determine the role of this variant in disease. Therefore, it has been classified as a Variant of Uncertain Significance. Advanced modeling of protein sequence and biophysical properties (such as structural, functional, and spatial information, amino acid conservation, physicochemical variation, residue mobility, and thermodynamic stability) performed at Invitae indicates that this missense variant is not expected to disrupt DHDDS protein function.

NM_205861.3(DHDDS):c.571T>C (p.Cys191Arg)

Gene: DHDDS (dehydrodolichyl diphosphate synthase subunit; plus strand). Cytogenetic location: 1p36.11.
Variant type: single nucleotide variant.
Coding change: c.571T>C on transcript NM_205861.3 (MANE Select); coding-DNA position 571, T replaced by C.
Protein change: p.Cys191Arg; replaces cysteine 191 with arginine.
Molecular consequence: missense variant.
Genome position (GRCh38, 1-based): chr1:26,457,819, T>C. VCF-style: chr1-26457819-T-C. GRCh37 (hg19) VCF-style: chr1-26784310-T-C.
Other names: c.571T>C (NM_024887.3); c.469T>C, p.Cys157Arg (NM_001243564.2); c.454T>C, p.Cys152Arg (NM_001243565.2); c.292T>C, p.Cys98Arg (NM_001319959.2); c.571T>C, p.Cys191Arg (NM_024887.4); short protein forms C157R, C191R, C152R, C98R.
Identifiers: ClinVar variation 2815104 (VCV002815104.5), dbSNP rs2524685665, ClinGen allele CA339144610.